The following is an entry in ClinVar:

NM_000059.4(BRCA2):c.8752G>C (p.Glu2918Gln)

Gene: BRCA2 (BRCA2 DNA repair associated; plus strand). Cytogenetic location: 13q13.1.
Variant type: single nucleotide variant.
Coding change: c.8752G>C on transcript NM_000059.4 (MANE Select); coding-DNA position 8752, G replaced by C.
Protein change: p.Glu2918Gln; replaces glutamic acid 2918 with glutamine.
Molecular consequence: missense variant.
Genome position (GRCh38, 1-based): chr13:32,376,789, G>C. VCF-style: chr13-32376789-G-C. GRCh37 (hg19) VCF-style: chr13-32950926-G-C.
Other names: short protein forms E2918Q.
Identifiers: ClinVar variation 441372 (VCV000441372.15), dbSNP rs1555288179, ClinGen allele CA387755089.
Genomic context (GRCh38, chr13:32,376,789, plus strand): 5'-TTGCAAGATGGTGCAGAGCTTTATGAAGCAGTGAAGAATGCAGCAGACCCAGCTTACCTT[G>C]AGGTGAGAGAGTAAGAGGACATATAATGAGGCTTGATGATTATTCAAGGTGAGAAGCTGT-3'
Protein context (NP_000050.3, residues 2908-2928): VKNAADPAYL[Glu2918Gln]GYFSEEQLRA

ClinVar aggregate classification (germline): Uncertain significance. Review status: criteria provided, multiple submitters, no conflicts (2 of 4 stars). 2 submissions from 2 submitters: Uncertain significance (2). Last evaluated 2025-08-25.

Conditions:
Hereditary breast ovarian cancer syndrome. Also called: Hereditary breast and ovarian cancer; Breast and ovarian cancer; Hereditary breast and ovarian cancer syndrome; Hereditary breast and/or ovarian cancer syndrome; BRCA1- and BRCA2-Associated Hereditary Breast and Ovarian Cancer; Hereditary breast and ovarian cancer syndrome (HBOC). Identifiers: Orphanet 145, MedGen C0677776, MeSH D061325, MONDO:0003582. Disease mechanism: loss of function.
Hereditary cancer-predisposing syndrome. Also called: Hereditary Cancer Syndrome; Hereditary neoplastic syndrome; Neoplastic Syndromes, Hereditary; Tumor predisposition. Identifiers: Orphanet 140162, MedGen C0027672, MeSH D009386, MONDO:0015356.

Allele frequency attached by ClinVar (database versions not stated): TOPMed 0.00001.

Submissions (2):

Labcorp Genetics (formerly Invitae), Labcorp
Classification: Uncertain significance for Hereditary breast ovarian cancer syndrome. Last evaluated: 2025-08-25. Review status: criteria provided, single submitter. Criteria: Invitae Variant Classification Sherloc (09022015). Collection method: clinical testing. Allele origin: germline.
Comment: This sequence change replaces glutamic acid, which is acidic and polar, with glutamine, which is neutral and polar, at codon 2918 of the BRCA2 protein (p.Glu2918Gln). This variant is not present in population databases (gnomAD no frequency). This variant has not been reported in the literature in individuals affected with BRCA2-related conditions. ClinVar contains an entry for this variant (Variation ID: 441372). An algorithm developed to predict the effect of missense changes on protein structure and function (PolyPhen-2) suggests that this variant is likely to be tolerated. In summary, the available evidence is currently insufficient to determine the role of this variant in disease. Therefore, it has been classified as a Variant of Uncertain Significance.

Ambry Genetics
Classification: Uncertain significance for Hereditary cancer-predisposing syndrome. Last evaluated: 2024-05-29. Review status: criteria provided, single submitter. Criteria: Ambry Variant Classification Scheme 2023. Collection method: clinical testing. Allele origin: germline.
Comment: The p.E2918Q variant (also known as c.8752G>C), located in coding exon 20 of the BRCA2 gene, results from a G to C substitution at nucleotide position 8752. The glutamic acid at codon 2918 is replaced by glutamine, an amino acid with highly similar properties. This amino acid position is highly conserved in available vertebrate species. In addition, the in silico prediction for this alteration is inconclusive. Since supporting evidence is limited at this time, the clinical significance of this alteration remains unclear.

Literature cited by the submitters: PubMed 29884841 (cited by Ambry Genetics).